The following is an entry in ClinVar:

NM_003602.5(FKBP6):c.508_529dup (p.Phe177fs)

Gene: FKBP6 (FKBP prolyl isomerase family member 6 (inactive); plus strand). Cytogenetic location: 7q11.23.
Variant type: Duplication.
Coding change: c.508_529dup on transcript NM_003602.5 (MANE Select); coding-DNA positions 508 to 529, 22 bases duplicated (GTGGCAGCTACGGAACGGGAGT).
Protein change: p.Phe177fs; shifts the reading frame from phenylalanine 177.
Molecular consequence: frameshift variant. On other transcripts: intron variant (1).
Genome position (GRCh38, 1-based): chr7:73,331,696-73,331,717, GTGGCAGCTACGGAACGGGAGT duplicated. VCF-style (leftmost placement, unchanged base first): chr7-73331695-A-AGTGGCAGCTACGGAACGGGAGT.
Other names: c.493_514dup, p.Phe172fs (NM_001135211.3); c.418_439dup, p.Phe147fs (NM_001281304.2); c.453+1344_453+1365dup (NM_001362789.2); short protein forms F147fs, F172fs, F177fs.
Identifiers: ClinVar variation 1684033 (VCV001684033.6), dbSNP rs782102648, ClinGen allele CA4286717.
Genomic context (GRCh38, chr7:73,331,695, plus strand): 5'-TATTCCTGTCTCTGGTCCTCAGGAGCAGCAAGACCAATTTCCACTTCAGAAGGTCCTGAA[A>AGTGGCAGCTACGGAACGGGAGT]GTGGCAGCTACGGAACGGGAGTTTGGCAACTACCTTTTCCGCCAGAATCGTTTCTATGAT-3'

ClinVar aggregate classification (germline): Pathogenic. Review status: criteria provided, multiple submitters, no conflicts (2 of 4 stars). 3 submissions from 3 submitters: Pathogenic (2). 1 of the submissions does not count toward it. Last evaluated 2026-04-15.

Conditions:
Spermatogenic failure 77. Identifiers: MedGen C5774245, MONDO:0031083, OMIM 620103.
Male infertility. Identifiers: MedGen C0021364, MeSH D007248, MONDO:0005372, HP:0003251.

Allele frequency attached by ClinVar (database versions not stated): ExAC 0.00016; gnomAD 0.00019; gnomAD exomes 0.00024.

Submissions (3):

Institute of Immunology and Genetics Kaiserslautern
Classification: Pathogenic for Spermatogenic failure 77. Last evaluated: 2026-04-15. Review status: criteria provided, single submitter. Criteria: ACMG Guidelines, 2015. Collection method: clinical testing. Allele origin: germline. Affected: yes.
Comment: ACMG Criteria: PVS1, PS4, PM2_P, PM3; Variant was found in heterozygous state.

Institute of Reproductive Genetics, University of Münster
Classification: Pathogenic for Male infertility. Last evaluated: 2022-05-12. Review status: criteria provided, single submitter. Criteria: ACMG Guidelines, 2015. Collection method: research. Allele origin: germline. Inheritance: Autosomal recessive inheritance. Affected: yes. Observed: 3 variant alleles, 1 compound heterozygote, 2 homozygotes.

OMIM
Classification: Pathogenic for SPERMATOGENIC FAILURE 77. Last evaluated: 2022-10-27. Review status: no assertion criteria provided. Collection method: literature only. Allele origin: germline. Not counted in ClinVar's aggregate classification.

Literature cited by the submitters: PubMed 36150389 (cited by OMIM).